The following is an entry in ClinVar:

ClinVar aggregate classification (germline): Uncertain significance (1 of 4 stars; one submission).

Conditions:
Carnitine acylcarnitine translocase deficiency (CACTD). Identifiers: Orphanet 159, MedGen C0342791, MONDO:0008918, OMIM 212138.

Allele frequency attached by ClinVar (database versions not stated): ExAC 0.00001; gnomAD exomes 0.00001.
gnomAD v4.1: 3 of 1,613,300 alleles (0.00019%); highest among the groups gnomAD compares: Admixed American, 0.005%; no homozygotes.

Submission:

Labcorp Genetics (formerly Invitae), Labcorp
Classification: Uncertain significance for Carnitine acylcarnitine translocase deficiency. Last evaluated: 2022-08-22. Review status: criteria provided, single submitter. Criteria: Invitae Variant Classification Sherloc (09022015). Collection method: clinical testing. Allele origin: germline.
Comment: This sequence change replaces threonine, which is neutral and polar, with alanine, which is neutral and non-polar, at codon 172 of the SLC25A20 protein (p.Thr172Ala). This variant is present in population databases (rs772209291, gnomAD 0.009%). This variant has not been reported in the literature in individuals affected with SLC25A20-related conditions. Algorithms developed to predict the effect of missense changes on protein structure and function are either unavailable or do not agree on the potential impact of this missense change (SIFT: "Deleterious"; PolyPhen-2: "Possibly Damaging"; Align-GVGD: "Class C0"). In summary, the available evidence is currently insufficient to determine the role of this variant in disease. Therefore, it has been classified as a Variant of Uncertain Significance.

NM_000387.6(SLC25A20):c.514A>G (p.Thr172Ala)

Gene: SLC25A20 (solute carrier family 25 member 20; minus strand). Cytogenetic location: 3p21.31.
Variant type: single nucleotide variant.
Coding change: c.514A>G on transcript NM_000387.6 (MANE Select); coding-DNA position 514, A replaced by G.
Protein change: p.Thr172Ala; replaces threonine 172 with alanine.
Molecular consequence: missense variant.
Genome position (GRCh38, 1-based): chr3:48,862,563, T>C on the plus strand (A>G on the coding strand, the complement: SLC25A20 is on the minus strand). VCF-style: chr3-48862563-T-C. GRCh37 (hg19) VCF-style: chr3-48899996-T-C.
Other names: short protein forms T172A.
Identifiers: ClinVar variation 1952282 (VCV001952282.2), dbSNP rs772209291, ClinGen allele CA2387385.